The following is an entry in ClinVar:

ClinVar aggregate classification (germline): Conflicting classifications of pathogenicity. Review status: criteria provided, conflicting classifications (1 of 4 stars). 3 submissions from 3 submitters: Likely pathogenic (1); Uncertain significance (2). Last evaluated 2026-01-26.

Conditions:
Long QT syndrome (LQTS). Identifiers: MedGen C0023976, MeSH D008133, MONDO:0002442. Disease mechanism: loss of function. Inheritance: Various modes of inheritance.
Long QT syndrome 1 (LQT1). Identifiers: Orphanet 101016, Orphanet 768, MedGen C4551647, MONDO:0100316, OMIM 192500, MONDO:0008646.

gnomAD v4.1: 1 of 1,597,412 alleles (0.000063%); highest among the groups gnomAD compares: East Asian, 0.0022%; no homozygotes.

Submissions (3):

Medical and Scientific Branch, Hong Kong Genome Institute
Classification: Likely pathogenic for Long QT syndrome 1. Last evaluated: 2026-01-26. Review status: criteria provided, single submitter. Criteria: ACMG Guidelines, 2015. Collection method: clinical testing. Allele origin: unknown. Affected: yes.

Labcorp Genetics (formerly Invitae), Labcorp
Classification: Uncertain significance for Long QT syndrome. Last evaluated: 2025-02-16. Review status: criteria provided, single submitter. Criteria: Invitae Variant Classification Sherloc (09022015). Collection method: clinical testing. Allele origin: germline.
Comment: This sequence change replaces arginine, which is basic and polar, with proline, which is neutral and non-polar, at codon 116 of the KCNQ1 protein (p.Arg116Pro). This variant is not present in population databases (gnomAD no frequency). This missense change has been observed in individual(s) with clinical features of long QT syndrome (internal data). Invitae Evidence Modeling of protein sequence and biophysical properties (such as structural, functional, and spatial information, amino acid conservation, physicochemical variation, residue mobility, and thermodynamic stability) indicates that this missense variant is expected to disrupt KCNQ1 protein function with a positive predictive value of 95%. This variant disrupts the p.Arg116 amino acid residue in KCNQ1. Other variant(s) that disrupt this residue have been observed in individuals with KCNQ1-related conditions (PMID: 29097701), which suggests that this may be a clinically significant amino acid residue. In summary, the available evidence is currently insufficient to determine the role of this variant in disease. Therefore, it has been classified as a Variant of Uncertain Significance.

Blueprint Genetics
Classification: Uncertain significance. Last evaluated: 2020-09-29. Review status: criteria provided, single submitter. Criteria: ACMG Guidelines, 2015. Collection method: clinical testing. Allele origin: germline.

Literature cited by the submitters: PubMed 29097701 (cited by Labcorp Genetics (formerly Invitae), Labcorp).

NM_000218.3(KCNQ1):c.347G>C (p.Arg116Pro)

Gene: KCNQ1 (potassium voltage-gated channel subfamily Q member 1; plus strand). Cytogenetic location: 11p15.5.
Variant type: single nucleotide variant.
Coding change: c.347G>C on transcript NM_000218.3 (MANE Select); coding-DNA position 347, G replaced by C.
Protein change: p.Arg116Pro; replaces arginine 116 with proline.
Molecular consequence: missense variant. On other transcripts: 5 prime UTR variant (1).
Genome position (GRCh38, 1-based): chr11:2,445,445, G>C. VCF-style: chr11-2445445-G-C. GRCh37 (hg19) VCF-style: chr11-2466675-G-C.
Other names: c.347G>C, p.Arg116Pro (NM_001406836.1, NM_001406838.1); c.-16G>C (NM_001406837.1); short protein forms R116P.
Identifiers: ClinVar variation 3720773 (VCV003720773.4).